The following is an entry in ClinVar:

ClinVar aggregate classification (germline): Benign (1 of 4 stars; one submission).

Allele frequency attached by ClinVar (database versions not stated): gnomAD 0.00092.
gnomAD v4.1: 52 of 55,334 alleles (0.094%); highest among the groups gnomAD compares: African/African-American, 0.23%; no homozygotes.

Submission:

CeGaT Center for Human Genetics Tuebingen
Classification: Benign. Last evaluated: 2022-06-01. Review status: criteria provided, single submitter. Criteria: CeGaT Center For Human Genetics Tuebingen Variant Classification Criteria Version 2. Collection method: clinical testing. Allele origin: germline. Affected: yes. Observed: 1 variant allele.
Comment: SORL1: BS1, BS2

NM_003105.6(SORL1):c.528+2499T>A

Gene: SORL1 (sortilin related receptor 1; plus strand). Cytogenetic location: 11q24.1.
Variant type: single nucleotide variant.
Coding change: c.528+2499T>A on transcript NM_003105.6 (MANE Select); 2499 bases into the intron after coding-DNA position 528, T replaced by A.
Molecular consequence: intron variant.
Genome position (GRCh38, 1-based): chr11:121,480,742, T>A. VCF-style: chr11-121480742-T-A. GRCh37 (hg19) VCF-style: chr11-121351451-T-A.
Identifiers: ClinVar variation 2642469 (VCV002642469.24), dbSNP rs367629421, ClinGen allele CA229963339.